The following is an entry in ClinVar:

NM_000245.4(MET):c.2102+3G>A

Gene: MET (MET proto-oncogene, receptor tyrosine kinase; plus strand). Cytogenetic location: 7q31.2.
Variant type: single nucleotide variant.
Coding change: c.2102+3G>A on transcript NM_000245.4 (MANE Select); 3 bases into the intron after coding-DNA position 2102, G replaced by A.
Molecular consequence: intron variant.
Genome position (GRCh38, 1-based): chr7:116,757,777, G>A. VCF-style: chr7-116757777-G-A. GRCh37 (hg19) VCF-style: chr7-116397831-G-A.
Other names: c.2102+3G>A (NM_001127500.3, NM_001324401.3); c.812+3G>A (NM_001324402.2).
Identifiers: ClinVar variation 3666794 (VCV003666794.2).

ClinVar aggregate classification (germline): Uncertain significance (1 of 4 stars; one submission).

Conditions:
Renal cell carcinoma. Identifiers: Orphanet 217071, MedGen C0007134, MeSH D002292, MONDO:0005086, HP:0005584.

Submission:

Labcorp Genetics (formerly Invitae), Labcorp
Classification: Uncertain significance for Renal cell carcinoma. Last evaluated: 2024-11-18. Review status: criteria provided, single submitter. Criteria: Invitae Variant Classification Sherloc (09022015). Collection method: clinical testing. Allele origin: germline.
Comment: This sequence change falls in intron 8 of the MET gene. It does not directly change the encoded amino acid sequence of the MET protein. It affects a nucleotide within the consensus splice site. This variant is not present in population databases (gnomAD no frequency). This variant has not been reported in the literature in individuals affected with MET-related conditions. Variants that disrupt the consensus splice site are a relatively common cause of aberrant splicing (PMID: 17576681, 9536098). Algorithms developed to predict the effect of sequence changes on RNA splicing suggest that this variant is not likely to affect RNA splicing. In summary, the available evidence is currently insufficient to determine the role of this variant in disease. Therefore, it has been classified as a Variant of Uncertain Significance.

Literature cited by the submitters: PubMed 17576681; PubMed 9536098.